The following is an entry in ClinVar:

NM_033026.6(PCLO):c.14732A>G (p.Asp4911Gly)

Gene: PCLO (piccolo presynaptic cytomatrix protein; minus strand). Cytogenetic location: 7q21.11.
Variant type: single nucleotide variant.
Coding change: c.14732A>G on transcript NM_033026.6 (MANE Select); coding-DNA position 14732, A replaced by G.
Protein change: p.Asp4911Gly; replaces aspartic acid 4911 with glycine.
Molecular consequence: missense variant.
Genome position (GRCh38, 1-based): chr7:82,822,554, T>C on the plus strand (A>G on the coding strand, the complement: PCLO is on the minus strand). VCF-style: chr7-82822554-T-C. GRCh37 (hg19) VCF-style: chr7-82451870-T-C.
Other names: c.14732A>G, p.Asp4911Gly (NM_014510.3); short protein forms D4911G.
Identifiers: ClinVar variation 2183095 (VCV002183095.1), dbSNP rs1791820126, ClinGen allele CA368018881.
Genomic context (GRCh38, chr7:82,822,554, plus strand): 5'-CTTGGTTGAATGCGGAGTTGTTGCACGGCAGCTTCGGCAGCAGCTATGGCAGCCCCTGCA[T>C]CTTCCAGGTGGGTCTGAGTGACGCTGGTTTTGCTTTGACTGCGAGATGGTCCATGAGAAC-3'
Protein context (NP_149015.2, residues 4901-4921): KTSVTQTHLE[Asp4911Gly]AGAAIAAAEA

ClinVar aggregate classification (germline): Uncertain significance (1 of 4 stars; one submission).

Allele frequency attached by ClinVar (database versions not stated): gnomAD exomes 0.00001; TOPMed 0.00003.
gnomAD v4.1: 7 of 1,613,816 alleles (0.00043%); highest among the groups gnomAD compares: Admixed American, 0.005%; no homozygotes.

Submission:

Labcorp Genetics (formerly Invitae), Labcorp
Classification: Uncertain significance. Last evaluated: 2022-08-10. Review status: criteria provided, single submitter. Criteria: Invitae Variant Classification Sherloc (09022015). Collection method: clinical testing. Allele origin: germline.
Comment: This sequence change replaces aspartic acid, which is acidic and polar, with glycine, which is neutral and non-polar, at codon 4911 of the PCLO protein (p.Asp4911Gly). This variant is not present in population databases (gnomAD no frequency). This variant has not been reported in the literature in individuals affected with PCLO-related conditions. Algorithms developed to predict the effect of missense changes on protein structure and function are either unavailable or do not agree on the potential impact of this missense change (SIFT: "Deleterious"; PolyPhen-2: "Not Available"; Align-GVGD: "Class C0"). In summary, the available evidence is currently insufficient to determine the role of this variant in disease. Therefore, it has been classified as a Variant of Uncertain Significance.